The following is an entry in ClinVar:

NM_001365536.1(SCN9A):c.4388A>G (p.Gln1463Arg)

Genes: SCN9A (sodium voltage-gated channel alpha subunit 9; minus strand), SCN1A-AS1 (SCN1A and SCN9A antisense RNA 1; plus strand). Cytogenetic location: 2q24.3.
Variant type: single nucleotide variant.
Coding change: c.4388A>G on transcript NM_001365536.1 (MANE Select); coding-DNA position 4388, A replaced by G.
Protein change: p.Gln1463Arg; replaces glutamine 1463 with arginine.
Molecular consequence: missense variant.
Genome position (GRCh38, 1-based): chr2:166,226,577, T>C on the plus strand (A>G on the coding strand, the complement: SCN9A is on the minus strand). VCF-style: chr2-166226577-T-C. GRCh37 (hg19) VCF-style: chr2-167083087-T-C.
Other names: c.4355A>G, p.Gln1452Arg (NM_002977.4); short protein forms Q1463R, Q1452R.
Identifiers: ClinVar variation 859508 (VCV000859508.10), dbSNP rs201802776, ClinGen allele CA349061835.
Genomic context (GRCh38, chr2:166,226,577, plus strand): 5'-AATAATTGTTCATCCCTTTCATTACAATGAAAAATATTTGAAATACTTATCTTCTTTTTC[T>C]GTTGGTTGAAATTATCTATGATGACACCAATGAACAAGTTCAAAGTGAAGAATGACCCAA-3'
Protein context (NP_001352465.1, residues 1453-1473): IGVIIDNFNQ[Gln1463Arg]KKKLGGQDIF

ClinVar aggregate classification (germline): Uncertain significance (1 of 4 stars; one submission).

Conditions:
Neuropathy, hereditary sensory and autonomic, type 2A (HSAN2A). Also called: HSAN IIA; MORVAN DISEASE; NEUROPATHY, CONGENITAL SENSORY; NEUROPATHY, HEREDITARY SENSORY RADICULAR, AUTOSOMAL RECESSIVE; NEUROPATHY, HEREDITARY SENSORY, TYPE IIA; NEUROPATHY, PROGRESSIVE SENSORY, OF CHILDREN. Identifiers: Orphanet 970, MedGen C2752089, MONDO:0024309, OMIM 201300.
Generalized epilepsy with febrile seizures plus, type 7 (GEFSP7). Also called: GEFS+, TYPE 7. Identifiers: Orphanet 36387, MedGen C2751778, MONDO:0013470, OMIM 613863.

Submission:

Labcorp Genetics (formerly Invitae), Labcorp
Classification: Uncertain significance for Neuropathy, hereditary sensory and autonomic, type 2A; Generalized epilepsy with febrile seizures plus, type 7. Last evaluated: 2019-12-19. Review status: criteria provided, single submitter. Criteria: Invitae Variant Classification Sherloc (09022015). Collection method: clinical testing. Allele origin: germline.
Comment: In summary, the available evidence is currently insufficient to determine the role of this variant in disease. Therefore, it has been classified as a Variant of Uncertain Significance. Algorithms developed to predict the effect of missense changes on protein structure and function (SIFT, PolyPhen-2, Align-GVGD) all suggest that this variant is likely to be disruptive, but these predictions have not been confirmed by published functional studies and their clinical significance is uncertain. This variant has not been reported in the literature in individuals with SCN9A-related conditions. This variant is not present in population databases (ExAC no frequency). This sequence change replaces glutamine with arginine at codon 1452 of the SCN9A protein (p.Gln1452Arg). The glutamine residue is highly conserved and there is a small physicochemical difference between glutamine and arginine.